The following is an entry in ClinVar:

NM_182931.3(KMT2E):c.1359-5T>C

Gene: KMT2E (lysine methyltransferase 2E (inactive); plus strand). Cytogenetic location: 7q22.3.
Variant type: single nucleotide variant.
Coding change: c.1359-5T>C on transcript NM_182931.3 (MANE Select); 5 bases into the intron before coding-DNA position 1359, T replaced by C.
Molecular consequence: intron variant.
Genome position (GRCh38, 1-based): chr7:105,090,004, T>C. VCF-style: chr7-105090004-T-C. GRCh37 (hg19) VCF-style: chr7-104730451-T-C.
Other names: c.1359-5T>C (NM_001410908.1, NM_018682.4).
Identifiers: ClinVar variation 3037093 (VCV003037093.4), dbSNP rs368989105, ClinGen allele CA4423984.

ClinVar aggregate classification (germline): Likely benign. Review status: criteria provided, single submitter (1 of 4 stars). 2 submissions from 2 submitters: Likely benign (1). 1 of the submissions does not count toward it. Last evaluated 2024-12-12.

Conditions:
KMT2E-related disorder. Also called: KMT2E-related condition.

Allele frequency attached by ClinVar (database versions not stated): gnomAD exomes below 0.00001; ExAC 0.00002; TOPMed 0.00002; ESP Exome Variant Server 0.00008.
gnomAD v4.1: 3 of 1,594,320 alleles (0.00019%); highest among the groups gnomAD compares: African/African-American, 0.0027%; no homozygotes.

Submissions (2):

Labcorp Genetics (formerly Invitae), Labcorp
Classification: Likely benign. Last evaluated: 2024-12-12. Review status: criteria provided, single submitter. Criteria: Invitae Variant Classification Sherloc (09022015). Collection method: clinical testing. Allele origin: germline.

PreventionGenetics, part of Exact Sciences
Classification: Likely benign for KMT2E-related condition. Last evaluated: 2022-02-17. Review status: no assertion criteria provided. Collection method: clinical testing. Allele origin: germline. Not counted in ClinVar's aggregate classification.
Comment: This variant is classified as likely benign based on ACMG/AMP sequence variant interpretation guidelines (Richards et al. 2015 PMID: 25741868, with internal and published modifications).